The following is an entry in ClinVar:

ClinVar aggregate classification (germline): Uncertain significance. Review status: criteria provided, multiple submitters, no conflicts (2 of 4 stars). 3 submissions from 3 submitters: Uncertain significance (3). Last evaluated 2026-01-13.

Conditions:
PEX11B-related disorder. Also called: PEX11B-related condition.
Inborn genetic diseases. Identifiers: MedGen C0950123, MeSH D030342.

Allele frequency attached by ClinVar (database versions not stated): ExAC 0.00002; gnomAD exomes 0.00002; TOPMed 0.00003; gnomAD 0.00005.
gnomAD v4.1: 30 of 1,492,928 alleles (0.002%); highest among the groups gnomAD compares: African/African-American, 0.0056%; no homozygotes.

Submissions (3):

PreventionGenetics, part of Exact Sciences
Classification: Uncertain significance for PEX11B-related condition. Last evaluated: 2026-01-13. Review status: criteria provided, single submitter. Criteria: ACMG Guidelines, 2015. Collection method: clinical testing. Allele origin: germline.
Comment: The PEX11B c.428G>A variant is predicted to result in the amino acid substitution p.Arg143His. To our knowledge, this variant has not been reported in the literature. This variant is reported in 0.0024% of alleles in individuals of European (Non-Finnish) descent in gnomAD. At this time, the clinical significance of this variant is uncertain due to the absence of conclusive functional and genetic evidence.

Ambry Genetics
Classification: Uncertain significance for Inborn genetic diseases. Last evaluated: 2025-12-15. Review status: criteria provided, single submitter. Criteria: Ambry Variant Classification Scheme 2023. Collection method: clinical testing. Allele origin: germline.

Labcorp Genetics (formerly Invitae), Labcorp
Classification: Uncertain significance. Last evaluated: 2022-10-06. Review status: criteria provided, single submitter. Criteria: Invitae Variant Classification Sherloc (09022015). Collection method: clinical testing. Allele origin: germline.
Comment: The frequency data for this variant in the population databases is considered unreliable, as metrics indicate poor data quality at this position in the gnomAD database. This sequence change replaces arginine, which is basic and polar, with histidine, which is basic and polar, at codon 143 of the PEX11B protein (p.Arg143His). In summary, the available evidence is currently insufficient to determine the role of this variant in disease. Therefore, it has been classified as a Variant of Uncertain Significance. Algorithms developed to predict the effect of missense changes on protein structure and function (SIFT, PolyPhen-2, Align-GVGD) all suggest that this variant is likely to be tolerated. This variant has not been reported in the literature in individuals affected with PEX11B-related conditions.

NM_003846.3(PEX11B):c.428G>A (p.Arg143His)

Gene: PEX11B (peroxisomal biogenesis factor 11 beta; minus strand). Cytogenetic location: 1q21.1.
Variant type: single nucleotide variant.
Coding change: c.428G>A on transcript NM_003846.3 (MANE Select); coding-DNA position 428, G replaced by A.
Protein change: p.Arg143His; replaces arginine 143 with histidine.
Molecular consequence: missense variant. On other transcripts: non-coding transcript variant (3).
Genome position (GRCh38, 1-based): chr1:145,912,513, C>T on the plus strand (G>A on the coding strand, the complement: PEX11B is on the minus strand). VCF-style: chr1-145912513-C-T. GRCh37 (hg19) VCF-style: chr1-145522567-G-A.
Other names: c.428G>A (NM_003846.2); c.386G>A, p.Arg129His (NM_001184795.1); short protein forms R129H, R143H.
Identifiers: ClinVar variation 2416937 (VCV002416937.8), dbSNP rs782067337, ClinGen allele CA1055602.